The following is an entry in ClinVar:

NM_024306.5(FA2H):c.805C>T (p.Arg269Cys)

Gene: FA2H (fatty acid 2-hydroxylase; minus strand). Cytogenetic location: 16q23.1.
Variant type: single nucleotide variant.
Coding change: c.805C>T on transcript NM_024306.5 (MANE Select); coding-DNA position 805, C replaced by T.
Protein change: p.Arg269Cys; replaces arginine 269 with cysteine.
Molecular consequence: missense variant.
Genome position (GRCh38, 1-based): chr16:74,716,581, G>A on the plus strand (C>T on the coding strand, the complement: FA2H is on the minus strand). VCF-style: chr16-74716581-G-A. GRCh37 (hg19) VCF-style: chr16-74750479-G-A.
Other names: short protein forms R269C.
Identifiers: ClinVar variation 1432103 (VCV001432103.8), dbSNP rs943671314, ClinGen allele CA283758632.

ClinVar aggregate classification (germline): Uncertain significance. Review status: criteria provided, multiple submitters, no conflicts (2 of 4 stars). 2 submissions from 2 submitters: Uncertain significance (2). Last evaluated 2025-12-12.

Conditions:
Spastic paraplegia. Identifiers: MedGen C0037772, HP:0001258.

Allele frequency attached by ClinVar (database versions not stated): gnomAD exomes 0.00001; TOPMed 0.00001; gnomAD 0.00001.
gnomAD v4.1: 7 of 1,574,516 alleles (0.00044%); highest among the groups gnomAD compares: African/African-American, 0.0014%; no homozygotes.

Submissions (2):

Women's Health and Genetics/Laboratory Corporation of America, LabCorp
Classification: Uncertain significance. Last evaluated: 2025-12-12. Review status: criteria provided, single submitter. Criteria: LabCorp Variant Classification Summary - May 2015. Collection method: clinical testing. Allele origin: germline.
Comment: Variant summary: FA2H c.805C>T (p.Arg269Cys) results in a non-conservative amino acid change in the encoded protein sequence. Algorithms developed to predict the effect of missense changes on protein structure and function all suggest that this variant is likely to be disruptive. The variant allele was found at a frequency of 5.6e-06 in 178562 control chromosomes (gnomAD). The available data on variant occurrences in the general population are insufficient to allow any conclusion about variant significance. c.805C>T has been observed in one individual affected with Spastic paraplegia 35 (Mari_2018). These data do not allow any conclusion about variant significance. A different variant affecting the same codon has been classified as likely pathogenic by our lab (c.806G>A, p.Arg269His), supporting the critical relevance of codon 269 to FA2H protein function. To our knowledge, no experimental evidence demonstrating an impact on protein function has been reported. The following publications have been ascertained in the context of this evaluation (PMID: 29423566, 30564185, 34852264). ClinVar contains an entry for this variant (Variation ID: 1432103). Based on the evidence outlined above, the variant was classified as VUS-possibly pathogenic.

Labcorp Genetics (formerly Invitae), Labcorp
Classification: Uncertain significance for Spastic paraplegia. Last evaluated: 2021-10-20. Review status: criteria provided, single submitter. Criteria: Invitae Variant Classification Sherloc (09022015). Collection method: clinical testing. Allele origin: germline.
Comment: In summary, the available evidence is currently insufficient to determine the role of this variant in disease. Therefore, it has been classified as a Variant of Uncertain Significance. This variant disrupts the p.Arg269 amino acid residue in FA2H. Other variant(s) that disrupt this residue have been determined to be pathogenic (Invitae). This suggests that this residue is clinically significant, and that variants that disrupt this residue are likely to be disease-causing. This sequence change replaces arginine with cysteine at codon 269 of the FA2H protein (p.Arg269Cys). The arginine residue is highly conserved and there is a large physicochemical difference between arginine and cysteine. This variant is not present in population databases (ExAC no frequency). This missense change has been observed in individual(s) with hereditary spastic paraplegia (PMID: 29423566). Advanced modeling of protein sequence and biophysical properties (such as structural, functional, and spatial information, amino acid conservation, physicochemical variation, residue mobility, and thermodynamic stability) performed at Invitae indicates that this missense variant is expected to disrupt FA2H protein function.

Literature cited by the submitters: PubMed 30564185 (cited by Women's Health and Genetics/Laboratory Corporation of America, LabCorp); PubMed 34852264 (cited by Women's Health and Genetics/Laboratory Corporation of America, LabCorp); PubMed 29423566 (cited by Women's Health and Genetics/Laboratory Corporation of America, LabCorp and Labcorp Genetics (formerly Invitae), Labcorp).